The following is an entry in ClinVar:

NM_001290060.2(SEMA3B):c.89G>A (p.Arg30His)

Gene: SEMA3B (semaphorin 3B; plus strand). Cytogenetic location: 3p21.31.
Variant type: single nucleotide variant.
Coding change: c.89G>A on transcript NM_001290060.2 (MANE Select); coding-DNA position 89, G replaced by A.
Protein change: p.Arg30His; replaces arginine 30 with histidine.
Molecular consequence: missense variant.
Genome position (GRCh38, 1-based): chr3:50,269,329, G>A. VCF-style: chr3-50269329-G-A. GRCh37 (hg19) VCF-style: chr3-50306760-G-A.
Other names: c.89G>A, p.Arg30His (NM_001005914.3, NM_001290061.1, NM_004636.4); short protein forms R30H.
Identifiers: ClinVar variation 3029728 (VCV003029728.2), dbSNP rs587618842, ClinGen allele CA74619828.

ClinVar aggregate classification (germline): Uncertain significance (0 of 4 stars; one submission).

Conditions:
SEMA3B-related disorder. Also called: SEMA3B-related condition.

Allele frequency attached by ClinVar (database versions not stated): TOPMed below 0.00001; gnomAD 0.00001; 1000 Genomes Project 0.00040; 1000 Genomes Project 30x 0.00031; gnomAD exomes 0.00002.
gnomAD v4.1: 22 of 1,511,502 alleles (0.0015%); highest among the groups gnomAD compares: East Asian, 0.0074%; no homozygotes.

Submission:

PreventionGenetics, part of Exact Sciences
Classification: Uncertain significance for SEMA3B-related condition. Last evaluated: 2024-07-05. Review status: no assertion criteria provided. Collection method: clinical testing. Allele origin: germline.
Comment: The SEMA3B c.89G>A variant is predicted to result in the amino acid substitution p.Arg30His. To our knowledge, this variant has not been reported in the literature. This variant is reported in 0.0062% of alleles in individuals of Latino descent in gnomAD. At this time, the clinical significance of this variant is uncertain due to the absence of conclusive functional and genetic evidence.